The following is an entry in ClinVar:

NM_004260.4(RECQL4):c.1740A>G (p.Thr580=)

Gene: RECQL4 (RecQ like helicase 4; minus strand). Cytogenetic location: 8q24.3.
Variant type: single nucleotide variant.
Coding change: c.1740A>G on transcript NM_004260.4 (MANE Select); coding-DNA position 1740, A replaced by G.
Protein change: p.Thr580=; no amino-acid change (threonine 580 retained).
Molecular consequence: synonymous variant. On other transcripts: non-coding transcript variant (3), intron variant (3).
Genome position (GRCh38, 1-based): chr8:144,514,327, T>C on the plus strand (A>G on the coding strand, the complement: RECQL4 is on the minus strand). VCF-style: chr8-144514327-T-C. GRCh37 (hg19) VCF-style: chr8-145739711-T-C.
Other names: c.1644A>G, p.Thr548= (NM_001413017.1, NM_001413020.1); c.1740A>G, p.Thr580= (NM_001413018.1, NM_001413019.1, NM_001413036.1); c.669A>G, p.Thr223= (NM_001413021.1, NM_001413022.1, NM_001413023.1 and 6 more transcripts); c.1611A>G, p.Thr537= (NM_001413025.1); c.603A>G, p.Thr201= (NM_001413027.1, NM_001413030.1, NM_001413032.1 and 1 more transcripts); c.1389A>G, p.Thr463= (NM_001413029.1); c.1710A>G, p.Thr570= (NM_001413039.1); c.639A>G, p.Thr213= (NM_001413042.1); and 4 more.
Identifiers: ClinVar variation 2196584 (VCV002196584.4), dbSNP rs1586810902, ClinGen allele CA463567403.

ClinVar aggregate classification (germline): Uncertain significance (1 of 4 stars; one submission).

Conditions:
Baller-Gerold syndrome (BGS). Also called: CRANIOSYNOSTOSIS WITH RADIAL DEFECTS. Identifiers: Orphanet 1225, MedGen C0265308, MONDO:0009039, OMIM 218600.

gnomAD v4.1: 1 of 1,608,482 alleles (0.000062%); no homozygotes.

Submission:

Labcorp Genetics (formerly Invitae), Labcorp
Classification: Uncertain significance for Baller-Gerold syndrome. Last evaluated: 2022-10-06. Review status: criteria provided, single submitter. Criteria: Invitae Variant Classification Sherloc (09022015). Collection method: clinical testing. Allele origin: germline.
Comment: In summary, the available evidence is currently insufficient to determine the role of this variant in disease. Therefore, it has been classified as a Variant of Uncertain Significance. Experimental studies and prediction algorithms are not available or were not evaluated, and the effect of this variant on mRNA splicing is currently unknown. This variant has not been reported in the literature in individuals affected with RECQL4-related conditions. This variant is not present in population databases (gnomAD no frequency). This sequence change affects codon 580 of the RECQL4 mRNA. It is a 'silent' change, meaning that it does not change the encoded amino acid sequence of the RECQL4 protein.